The following is an entry in ClinVar:

NM_001048174.2(MUTYH):c.1185A>T (p.Glu395Asp)

Gene: MUTYH (mutY DNA glycosylase; minus strand). Cytogenetic location: 1p34.1.
Variant type: single nucleotide variant.
Coding change: c.1185A>T on transcript NM_001048174.2 (MANE Select); coding-DNA position 1185, A replaced by T.
Protein change: p.Glu395Asp; replaces glutamic acid 395 with aspartic acid.
Molecular consequence: missense variant. On other transcripts: non-coding transcript variant (7).
Genome position (GRCh38, 1-based): chr1:45,331,474, T>A on the plus strand (A>T on the coding strand, the complement: MUTYH is on the minus strand). VCF-style: chr1-45331474-T-A. GRCh37 (hg19) VCF-style: chr1-45797146-T-A.
Other names: c.909A>T, p.Glu303Asp (NM_001293192.2, NM_001293196.2, NM_001407091.1); c.1185A>T, p.Glu395Asp (NM_001293195.2, NM_001407070.1, NM_001407072.1 and 6 more transcripts); c.840A>T, p.Glu280Asp (NM_001350650.2, NM_001350651.2, NM_001407082.1); c.1218A>T, p.Glu406Asp (NM_001407069.1, NM_001293191.2, NM_001407077.1); c.1188A>T, p.Glu396Asp (NM_001407071.1, NM_001407086.1, NM_001048172.2 and 1 more transcripts); c.1206A>T, p.Glu402Asp (NM_001407087.1); c.1260A>T, p.Glu420Asp (NM_012222.3); c.1269A>T, p.Glu423Asp (NM_001128425.2); and 5 more; short protein forms E280D, E367D, E381D, E395D, E423D, E303D, E402D, E382D.
Identifiers: ClinVar variation 3297054 (VCV003297054.1).

ClinVar aggregate classification (germline): Uncertain significance (1 of 4 stars; one submission).

Conditions:
Hereditary cancer-predisposing syndrome. Also called: Tumor predisposition; Hereditary Cancer Syndrome; Hereditary neoplastic syndrome; Neoplastic Syndromes, Hereditary. Identifiers: Orphanet 140162, MedGen C0027672, MeSH D009386, MONDO:0015356.

Submission:

Ambry Genetics
Classification: Uncertain significance for Hereditary cancer-predisposing syndrome. Last evaluated: 2024-04-15. Review status: criteria provided, single submitter. Criteria: Ambry Variant Classification Scheme 2023. Collection method: clinical testing. Allele origin: germline.
Comment: The p.E423D variant (also known as c.1269A>T), located in coding exon 13 of the MUTYH gene, results from an A to T substitution at nucleotide position 1269. The glutamic acid at codon 423 is replaced by aspartic acid, an amino acid with highly similar properties. This amino acid position is conserved. In addition, the in silico prediction for this alteration is inconclusive. Based on the available evidence, the clinical significance of this variant remains unclear.